The following is an entry in ClinVar:

ClinVar aggregate classification (germline): Benign. Review status: criteria provided, multiple submitters, no conflicts (2 of 4 stars). 2 submissions from 2 submitters: Benign (2). Last evaluated 2018-01-12.

Conditions:
Platelet-type bleeding disorder 10. Also called: CD36 DEFICIENCY. Identifiers: MedGen C1842090, MONDO:0012031, OMIM 608404.

Allele frequency attached by ClinVar (database versions not stated): 1000 Genomes Project 0.39197; 1000 Genomes Project 30x 0.39225; gnomAD exomes 0.48667; TOPMed 0.50124.

Submissions (2):

Illumina Laboratory Services, Illumina
Classification: Benign for Platelet-type bleeding disorder 10. Last evaluated: 2018-01-12. Review status: criteria provided, single submitter. Criteria: ICSL Variant Classification Criteria 13 December 2019. Collection method: clinical testing. Allele origin: germline.
Comment: This variant was observed in the ICSL laboratory as part of a predisposition screen in an ostensibly healthy population. It had not been previously curated by ICSL or reported in the Human Gene Mutation Database (HGMD: prior to June 1st, 2018), and was therefore a candidate for classification through an automated scoring system. Utilizing variant allele frequency, disease prevalence and penetrance estimates, and inheritance mode, an automated score was calculated to assess if this variant is too frequent to cause the disease. Based on the score and internal cut-off values, a variant classified as benign is not then subjected to further curation. The score for this variant resulted in a classification of benign for this disease.

Breakthrough Genomics
Classification: Benign. Review status: criteria provided, single submitter. Criteria: ACMG Guidelines, 2015. Collection method: not provided. Allele origin: germline. Inheritance: Autosomal recessive inheritance. Affected: yes.

NM_001001548.3(CD36):c.-132A>C

Gene: CD36 (CD36 molecule (CD36 blood group); plus strand). Cytogenetic location: 7q21.11.
Variant type: single nucleotide variant.
Coding change: c.-132A>C on transcript NM_001001548.3 (MANE Select); 132 bases upstream of the start codon, A replaced by C.
Molecular consequence: 5 prime UTR variant. On other transcripts: non-coding transcript variant (1), intron variant (2).
Genome position (GRCh38, 1-based): chr7:80,646,139, A>C. VCF-style: chr7-80646139-A-C. GRCh37 (hg19) VCF-style: chr7-80275455-A-C.
Other names: c.-132A>C (NM_000072.3, NM_001001547.3, NM_001289909.1 and 5 more transcripts); c.-614A>C (NM_001371081.1); c.-108-10401A>C (NM_001289911.2); c.-184-14924A>C (NM_001371080.1).
Identifiers: ClinVar variation 360748 (VCV000360748.6), dbSNP rs1049654, ClinGen allele CA10629520.